The following is an entry in ClinVar:

NM_005918.4(MDH2):c.517G>A (p.Asp173Asn)

Gene: MDH2 (malate dehydrogenase 2; plus strand). Cytogenetic location: 7q11.23.
Variant type: single nucleotide variant.
Coding change: c.517G>A on transcript NM_005918.4 (MANE Select); coding-DNA position 517, G replaced by A.
Protein change: p.Asp173Asn; replaces aspartic acid 173 with asparagine.
Molecular consequence: missense variant. On other transcripts: intron variant (1).
Genome position (GRCh38, 1-based): chr7:76,060,460, G>A. VCF-style: chr7-76060460-G-A. GRCh37 (hg19) VCF-style: chr7-75689778-G-A.
Other names: c.196G>A, p.Asp66Asn (NM_001282404.2); c.429+2382G>A (NM_001282403.2); c.517G>A (NM_005918.2); short protein forms D173N, D66N.
Identifiers: ClinVar variation 1407836 (VCV001407836.7), dbSNP rs372196070, ClinGen allele CA4305566.

ClinVar aggregate classification (germline): Uncertain significance. Review status: criteria provided, multiple submitters, no conflicts (2 of 4 stars). 4 submissions from 4 submitters: Uncertain significance (3). 1 of the submissions does not count toward it. Last evaluated 2024-06-26.

Conditions:
Developmental and epileptic encephalopathy, 51 (DEE51). Also called: Epileptic encephalopathy, early infantile, 51. Identifiers: MedGen C4479208, MONDO:0015025, OMIM 617339.
Inborn genetic diseases. Identifiers: MedGen C0950123, MeSH D030342.

Allele frequency attached by ClinVar (database versions not stated): gnomAD exomes 0.00001 and 0.00002; ExAC 0.00002; gnomAD 0.00005 and 0.00006; TOPMed 0.00005; ESP Exome Variant Server 0.00008.
gnomAD v4.1: 17 of 1,613,998 alleles (0.0011%); highest among the groups gnomAD compares: African/African-American, 0.02%; no homozygotes.

Submissions (4):

Ambry Genetics
Classification: Uncertain significance for Inborn genetic diseases. Last evaluated: 2024-06-26. Review status: criteria provided, single submitter. Criteria: Ambry Variant Classification Scheme 2023. Collection method: clinical testing. Allele origin: germline.

GeneDx
Classification: Uncertain significance. Last evaluated: 2022-12-05. Review status: criteria provided, single submitter. Criteria: GeneDx Variant Classification Process June 2021. Collection method: clinical testing. Allele origin: germline. Affected: yes.
Comment: In silico analysis supports that this missense variant has a deleterious effect on protein structure/function; This variant is associated with the following publications: (PMID: 36420423, 36139014)

Labcorp Genetics (formerly Invitae), Labcorp
Classification: Uncertain significance. Last evaluated: 2021-08-27. Review status: criteria provided, single submitter. Criteria: Invitae Variant Classification Sherloc (09022015). Collection method: clinical testing. Allele origin: germline.
Comment: This sequence change replaces aspartic acid with asparagine at codon 173 of the MDH2 protein (p.Asp173Asn). The aspartic acid residue is highly conserved and there is a small physicochemical difference between aspartic acid and asparagine. This variant is present in population databases (rs372196070, ExAC 0.02%). This variant has not been reported in the literature in individuals affected with MDH2-related conditions. Algorithms developed to predict the effect of missense changes on protein structure and function are either unavailable or do not agree on the potential impact of this missense change (SIFT: "Deleterious"; PolyPhen-2: "Probably Damaging"; Align-GVGD: "Class C15"). In summary, the available evidence is currently insufficient to determine the role of this variant in disease. Therefore, it has been classified as a Variant of Uncertain Significance.

OMIM
Classification: Pathogenic for DEVELOPMENTAL AND EPILEPTIC ENCEPHALOPATHY 51. Last evaluated: 2024-02-19. Review status: no assertion criteria provided. Collection method: literature only. Allele origin: germline. Not counted in ClinVar's aggregate classification.

Literature cited by the submitters: PubMed 36420423 (cited by OMIM).